The following is an entry in ClinVar:

ClinVar aggregate classification (germline): Uncertain significance. Review status: criteria provided, multiple submitters, no conflicts (2 of 4 stars). 2 submissions from 2 submitters: Uncertain significance (2). Last evaluated 2024-11-16.

Conditions:
Pitt-Hopkins-like syndrome 2 (PTHSL2). Identifiers: Orphanet 221150, Orphanet 600663, MedGen C3280479, MONDO:0013690, OMIM 614325.
Inborn genetic diseases. Identifiers: MedGen C0950123, MeSH D030342.

Allele frequency attached by ClinVar (database versions not stated): gnomAD 0.00001; gnomAD exomes 0.00001.
gnomAD v4.1: 9 of 1,613,822 alleles (0.00056%); highest among the groups gnomAD compares: Non-Finnish European, 0.00076%; no homozygotes.

Submissions (2):

Labcorp Genetics (formerly Invitae), Labcorp
Classification: Uncertain significance for Pitt-Hopkins-like syndrome 2. Last evaluated: 2024-11-16. Review status: criteria provided, single submitter. Criteria: Invitae Variant Classification Sherloc (09022015). Collection method: clinical testing. Allele origin: germline.
Comment: This sequence change replaces serine, which is neutral and polar, with phenylalanine, which is neutral and non-polar, at codon 900 of the NRXN1 protein (p.Ser900Phe). This variant is present in population databases (no rsID available, gnomAD 0.002%). This variant has not been reported in the literature in individuals affected with NRXN1-related conditions. ClinVar contains an entry for this variant (Variation ID: 3202229). Invitae Evidence Modeling of protein sequence and biophysical properties (such as structural, functional, and spatial information, amino acid conservation, physicochemical variation, residue mobility, and thermodynamic stability) indicates that this missense variant is not expected to disrupt NRXN1 protein function with a negative predictive value of 80%. In summary, the available evidence is currently insufficient to determine the role of this variant in disease. Therefore, it has been classified as a Variant of Uncertain Significance.

Ambry Genetics
Classification: Uncertain significance for Inborn genetic diseases. Last evaluated: 2024-01-03. Review status: criteria provided, single submitter. Criteria: Ambry Variant Classification Scheme 2023. Collection method: clinical testing. Allele origin: germline.

NM_001330078.2(NRXN1):c.2579C>T (p.Ser860Phe)

Gene: NRXN1 (neurexin 1; minus strand). Cytogenetic location: 2p16.3.
Variant type: single nucleotide variant.
Coding change: c.2579C>T on transcript NM_001330078.2 (MANE Select); coding-DNA position 2579, C replaced by T.
Protein change: p.Ser860Phe; replaces serine 860 with phenylalanine.
Molecular consequence: missense variant.
Genome position (GRCh38, 1-based): chr2:50,497,633, G>A on the plus strand (C>T on the coding strand, the complement: NRXN1 is on the minus strand). VCF-style: chr2-50497633-G-A. GRCh37 (hg19) VCF-style: chr2-50724771-G-A.
Other names: c.2699C>T, p.Ser900Phe (NM_001135659.3); c.2555C>T, p.Ser852Phe (NM_001330077.2, NM_001330082.2); c.2513C>T, p.Ser838Phe (NM_001330083.2, NM_001330084.2); c.2552C>T, p.Ser851Phe (NM_001330085.2); c.2579C>T, p.Ser860Phe (NM_001330086.2, NM_004801.6); c.2468C>T, p.Ser823Phe (NM_001330087.2, NM_001330096.2); c.2498C>T, p.Ser833Phe (NM_001330088.2); c.2576C>T, p.Ser859Phe (NM_001330093.2); and 2 more; short protein forms S838F, S833F, S851F, S856F, S900F, S823F, S843F, S859F.
Identifiers: ClinVar variation 3202229 (VCV003202229.3), dbSNP rs1438423570, ClinGen allele CA346777335.